The following is an entry in ClinVar:

NM_005609.4(PYGM):c.982G>C (p.Asp328His)

Gene: PYGM (glycogen phosphorylase, muscle associated; minus strand). Cytogenetic location: 11q13.1.
Variant type: single nucleotide variant.
Coding change: c.982G>C on transcript NM_005609.4 (MANE Select); coding-DNA position 982, G replaced by C.
Protein change: p.Asp328His; replaces aspartic acid 328 with histidine.
Molecular consequence: missense variant.
Genome position (GRCh38, 1-based): chr11:64,754,710, C>G on the plus strand (G>C on the coding strand, the complement: PYGM is on the minus strand). VCF-style: chr11-64754710-C-G. GRCh37 (hg19) VCF-style: chr11-64522182-C-G.
Other names: p.Asp328His; c.982G>C (NM_005609.2); c.718G>C, p.Asp240His (NM_001164716.1); short protein forms D328H, D240H.
Identifiers: ClinVar variation 966843 (VCV000966843.10), dbSNP rs758682386, ClinGen allele CA6080056.
Genomic context (GRCh38, chr11:64,754,710, plus strand): 5'-ACACACTGTCCGGTCACAGAGTCGCCCTCCACACGCATGGTACCTTATCTGGGAAGGCAT[C>G]GAAGTTCGTGCGCACGGGATCACGGCAGCCGAACTTGGAAGACTTGAAGCGACGGATGAT-3'
Protein context (NP_005600.1, residues 318-338): GCRDPVRTNF[Asp328His]AFPDKVAIQL

ClinVar aggregate classification (germline): Uncertain significance. Review status: criteria provided, multiple submitters, no conflicts (2 of 4 stars). 5 submissions from 5 submitters: Uncertain significance (4). 1 of the submissions does not count toward it. Last evaluated 2024-06-06.

Conditions:
Inborn genetic diseases. Identifiers: MedGen C0950123, MeSH D030342.
Glycogen storage disease, type V (GSD5). Also called: MCARDLE DISEASE; MUSCLE GLYCOGEN PHOSPHORYLASE DEFICIENCY; MYOPHOSPHORYLASE DEFICIENCY; PYGM DEFICIENCY; McArdle type glycogen storage disease. Identifiers: Orphanet 368, MedGen C0017924, MONDO:0009293, OMIM 232600.

Allele frequency attached by ClinVar (database versions not stated): ExAC 0.00003.
gnomAD v4.1: 4 of 1,613,674 alleles (0.00025%); highest among the groups gnomAD compares: East Asian, 0.0067%; no homozygotes.

Submissions (5):

Mayo Clinic Laboratories, Mayo Clinic
Classification: Uncertain significance. Last evaluated: 2024-06-06. Review status: criteria provided, single submitter. Criteria: ACMG Guidelines, 2015. Collection method: clinical testing. Allele origin: germline. Observed: 1 variant allele.

Ambry Genetics
Classification: Uncertain significance for Inborn genetic diseases. Last evaluated: 2023-03-13. Review status: criteria provided, single submitter. Criteria: Ambry Variant Classification Scheme 2023. Collection method: clinical testing. Allele origin: germline.

Labcorp Genetics (formerly Invitae), Labcorp
Classification: Uncertain significance for Glycogen storage disease, type V. Last evaluated: 2019-04-29. Review status: criteria provided, single submitter. Criteria: Invitae Variant Classification Sherloc (09022015). Collection method: clinical testing. Allele origin: germline.
Comment: This sequence change replaces aspartic acid with histidine at codon 328 of the PYGM protein (p.Asp328His). The aspartic acid residue is moderately conserved and there is a moderate physicochemical difference between aspartic acid and histidine. This variant is present in population databases (rs758682386, ExAC 0.05%). This variant has not been reported in the literature in individuals with PYGM-related disease. Algorithms developed to predict the effect of missense changes on protein structure and function are either unavailable or do not agree on the potential impact of this missense change (SIFT: "Not Available"; PolyPhen-2: "Possibly Damaging"; Align-GVGD: "Not Available"). In summary, the available evidence is currently insufficient to determine the role of this variant in disease. Therefore, it has been classified as a Variant of Uncertain Significance.

Revvity Omics, Revvity
Classification: Uncertain significance for Glycogen storage disease, type V. Last evaluated: 2019-04-05. Review status: criteria provided, single submitter. Criteria: ACMG Guidelines, 2015. Collection method: clinical testing. Allele origin: germline.

Natera, Inc.
Classification: Uncertain significance for Glycogen storage disease V. Last evaluated: 2020-03-10. Review status: no assertion criteria provided. Collection method: clinical testing. Allele origin: germline. Not counted in ClinVar's aggregate classification.